The following is an entry in ClinVar:

NM_139125.4(MASP1):c.1100G>A (p.Cys367Tyr)

Gene: MASP1 (MBL associated serine protease 1; minus strand). Cytogenetic location: 3q27.3.
Variant type: single nucleotide variant.
Coding change: c.1100G>A on transcript NM_139125.4 (MANE Select); coding-DNA position 1100, G replaced by A.
Protein change: p.Cys367Tyr; replaces cysteine 367 with tyrosine.
Molecular consequence: missense variant. On other transcripts: non-coding transcript variant (1).
Genome position (GRCh38, 1-based): chr3:187,243,612, C>T on the plus strand (G>A on the coding strand, the complement: MASP1 is on the minus strand). VCF-style: chr3-187243612-C-T. GRCh37 (hg19) VCF-style: chr3-186961400-C-T.
Other names: c.1100G>A, p.Cys367Tyr (NM_001879.6); short protein forms C367Y.
Identifiers: ClinVar variation 1318351 (VCV001318351.2), dbSNP rs1259134146, ClinGen allele CA355739382.

ClinVar aggregate classification (germline): Uncertain significance (1 of 4 stars; one submission).

Submission:

GeneDx
Classification: Uncertain significance. Last evaluated: 2021-06-22. Review status: criteria provided, single submitter. Criteria: GeneDx Variant Classification Process June 2021. Collection method: clinical testing. Allele origin: germline. Affected: yes.
Comment: Not observed at significant frequency in large population cohorts (Lek et al., 2016); In silico analysis supports that this missense variant has a deleterious effect on protein structure/function; Has not been previously published as pathogenic or benign to our knowledge; This variant is associated with the following publications: (PMID: 27535533)